The following is an entry in ClinVar:

NM_032119.4(ADGRV1):c.9324A>C (p.Ala3108=)

Gene: ADGRV1 (adhesion G protein-coupled receptor V1; plus strand). Cytogenetic location: 5q14.3.
Variant type: single nucleotide variant.
Coding change: c.9324A>C on transcript NM_032119.4 (MANE Select); coding-DNA position 9324, A replaced by C.
Protein change: p.Ala3108=; no amino-acid change (alanine 3108 retained).
Molecular consequence: synonymous variant. On other transcripts: non-coding transcript variant (1).
Genome position (GRCh38, 1-based): chr5:90,716,606, A>C. VCF-style: chr5-90716606-A-C. GRCh37 (hg19) VCF-style: chr5-90012423-A-C.
Identifiers: ClinVar variation 512351 (VCV000512351.4), dbSNP rs1554092817, ClinGen allele CA445413650.
Genomic context (GRCh38, chr5:90,716,606, plus strand): 5'-GCCAACAGCTCTCTACGTCCAGGAGAGTGTTGCAGTATTGTACATTGTTCGGGAACCTGC[A>C]CAAGGATTGTTTGGAACAGTGACAGTTCAGTTCATTGTGACAGAAGTGAATTCCTCAAAT-3'
Protein context (NP_115495.3, residues 3098-3118): VAVLYIVREP[Ala3108=]QGLFGTVTVQ

ClinVar aggregate classification (germline): Likely benign. Review status: criteria provided, multiple submitters, no conflicts (2 of 4 stars). 2 submissions from 2 submitters: Likely benign (2). Last evaluated 2023-07-17.

gnomAD v4.1: 8 of 1,613,918 alleles (0.0005%); highest among the groups gnomAD compares: Non-Finnish European, 0.00068%; no homozygotes.

Submissions (2):

Labcorp Genetics (formerly Invitae), Labcorp
Classification: Likely benign. Last evaluated: 2023-07-17. Review status: criteria provided, single submitter. Criteria: Invitae Variant Classification Sherloc (09022015). Collection method: clinical testing. Allele origin: germline.

GeneDx
Classification: Likely benign. Last evaluated: 2017-10-05. Review status: criteria provided, single submitter. Criteria: GeneDx Variant Classification (06012015). Collection method: clinical testing. Allele origin: germline. Affected: yes.
Comment: This variant is considered likely benign or benign based on one or more of the following criteria: it is a conservative change, it occurs at a poorly conserved position in the protein, it is predicted to be benign by multiple in silico algorithms, and/or has population frequency not consistent with disease.